The following is an entry in ClinVar:

ClinVar aggregate classification (germline): Benign/Likely benign. Review status: criteria provided, multiple submitters, no conflicts (2 of 4 stars). 3 submissions from 3 submitters: Benign (2); Likely benign (1). Last evaluated 2026-08-01.

Allele frequency attached by ClinVar (database versions not stated): gnomAD exomes 0.00029 and 0.00061; ExAC 0.00071; gnomAD 0.00177 and 0.00181; TOPMed 0.00200; ESP Exome Variant Server 0.00208; 1000 Genomes Project 30x 0.00219; 1000 Genomes Project 0.00240.
gnomAD v4.1: 711 of 1,613,910 alleles (0.044%); highest among the groups gnomAD compares: African/African-American, 0.54%; 5 homozygotes.

Submissions (3):

CeGaT Center for Human Genetics Tuebingen
Classification: Likely benign. Last evaluated: 2026-08-01. Review status: criteria provided, single submitter. Criteria: CeGaT Center For Human Genetics Tuebingen Variant Classification Criteria Version 2. Collection method: clinical testing. Allele origin: germline. Affected: yes. Observed: 4 variant alleles.
Comment: TRMT1: BP4, BP7

Labcorp Genetics (formerly Invitae), Labcorp
Classification: Benign. Last evaluated: 2018-10-11. Review status: criteria provided, single submitter. Criteria: Invitae Variant Classification Sherloc (09022015). Collection method: clinical testing. Allele origin: germline.

Breakthrough Genomics
Classification: Benign. Review status: criteria provided, single submitter. Criteria: ACMG Guidelines, 2015. Collection method: not provided. Allele origin: germline. Inheritance: Autosomal recessive inheritance. Affected: yes.

NM_001136035.4(TRMT1):c.816G>A (p.Thr272=)

Gene: TRMT1 (tRNA methyltransferase 1; minus strand). Cytogenetic location: 19p13.13.
Variant type: single nucleotide variant.
Coding change: c.816G>A on transcript NM_001136035.4 (MANE Select); coding-DNA position 816, G replaced by A.
Protein change: p.Thr272=; no amino-acid change (threonine 272 retained).
Molecular consequence: synonymous variant.
Genome position (GRCh38, 1-based): chr19:13,112,759, C>T on the plus strand (G>A on the coding strand, the complement: TRMT1 is on the minus strand). VCF-style: chr19-13112759-C-T. GRCh37 (hg19) VCF-style: chr19-13223573-C-T.
Other names: c.816G>A, p.Thr272= (NM_001142554.3, NM_001351760.2, NM_017722.5); c.708G>A, p.Thr236= (NM_001351761.2); c.33G>A, p.Thr11= (NM_001351762.2).
Identifiers: ClinVar variation 714882 (VCV000714882.28), dbSNP rs147062421, ClinGen allele CA9237920.